The following is an entry in ClinVar:

ClinVar aggregate classification (germline): Pathogenic (1 of 4 stars; one submission).

Conditions:
Familial thoracic aortic aneurysm and aortic dissection (TAAD). Also called: Thoracic aortic aneurysms and dissections. Identifiers: Orphanet 91387, MedGen C4707243, MONDO:0019625.

Submission:

Ambry Genetics
Classification: Pathogenic for Familial thoracic aortic aneurysm and aortic dissection. Last evaluated: 2015-03-11. Review status: criteria provided, single submitter. Criteria: Ambry Variant Classification Scheme 2023. Collection method: clinical testing. Allele origin: germline.
Comment: The c.1839_1840delCAinsGAAGGT pathogenic mutation, located in coding exon 15 of the FBN1 gene, results from the deletion of two nucleotides and insertion of 6 nucleotides causing a translational frameshift with a predicted alternate stop codon (p.D613Efs*4). Since frameshifts are typically deleterious in nature, this alteration is interpreted as a disease-causing mutation (ACMG Recommendations for Standards for Interpretation and Reporting of Sequence Variations. Revision 2007. Genet Med. 2008;10:294).

NM_000138.5(FBN1):c.1839_1840delinsGAAGGT (p.Asp613fs)

Gene: FBN1 (fibrillin 1; minus strand). Cytogenetic location: 15q21.1.
Variant type: Indel.
Coding change: c.1839_1840delinsGAAGGT on transcript NM_000138.5 (MANE Select); coding-DNA positions 1839 to 1840, CA replaced by GAAGGT.
Protein change: p.Asp613fs; shifts the reading frame from aspartic acid 613.
Molecular consequence: frameshift variant.
Genome position (GRCh38, 1-based): chr15:48,505,145-48,505,146, TG replaced by ACCTTC on the plus strand (CA replaced by GAAGGT on the coding strand, the reverse complement: FBN1 is on the minus strand). VCF-style: chr15-48505145-TG-ACCTTC. GRCh37 (hg19) VCF-style: chr15-48797342-TG-ACCTTC.
Other names: c.1839_1840delCAinsGAAGGT (NM_000138.4); short protein forms D613fs.
Identifiers: ClinVar variation 519559 (VCV000519559.5), dbSNP rs1555399839, ClinGen allele CA658798351.